The following is an entry in ClinVar:

ClinVar aggregate classification (germline): Likely benign. Review status: criteria provided, multiple submitters, no conflicts (2 of 4 stars). 4 submissions from 4 submitters: Likely benign (4). Last evaluated 2025-12-16.

Conditions:
Cardiovascular phenotype. Identifiers: MedGen CN230736.
Catecholaminergic polymorphic ventricular tachycardia (CVPT). Also called: Catecholamine-induced polymorphic ventricular tachycardia. Identifiers: Orphanet 3286, MedGen C5574922, MONDO:0017990.
Cardiomyopathy (CMYO). Also called: Cardiomyopathies. Identifiers: Orphanet 167848, MedGen C0878544, MONDO:0004994, HP:0001638. Inheritance: Various modes of inheritance.
Catecholaminergic polymorphic ventricular tachycardia 1. Also called: VENTRICULAR TACHYCARDIA, CATECHOLAMINERGIC POLYMORPHIC, 1, WITH OR WITHOUT ATRIAL DYSFUNCTION AND/OR DILATED CARDIOMYOPATHY; VENTRICULAR TACHYCARDIA, STRESS-INDUCED POLYMORPHIC 1; RYR2-Related Catecholaminergic Polymorphic Ventricular Tachycardia. Identifiers: Orphanet 3286, MedGen C1631597, MONDO:0011484, OMIM 604772.

Allele frequency attached by ClinVar (database versions not stated): gnomAD exomes 0.00001.
gnomAD v4.1: 16 of 1,611,926 alleles (0.00099%); highest among the groups gnomAD compares: Non-Finnish European, 0.0014%; no homozygotes.

Submissions (4):

Labcorp Genetics (formerly Invitae), Labcorp
Classification: Likely benign for Catecholaminergic polymorphic ventricular tachycardia 1. Last evaluated: 2025-12-16. Review status: criteria provided, single submitter. Criteria: Invitae Variant Classification Sherloc (09022015). Collection method: clinical testing. Allele origin: germline.

Ambry Genetics
Classification: Likely benign for Cardiovascular phenotype. Last evaluated: 2023-09-28. Review status: criteria provided, single submitter. Criteria: Ambry Variant Classification Scheme 2023. Collection method: clinical testing. Allele origin: germline.

All of Us Research Program, National Institutes of Health
Classification: Likely benign for Catecholaminergic polymorphic ventricular tachycardia. Last evaluated: 2023-08-08. Review status: criteria provided, single submitter. Criteria: ACMG Guidelines, 2015. Collection method: clinical testing. Allele origin: germline. Inheritance: Autosomal dominant inheritance. Observed: 1 variant allele, 1 heterozygote.
Comment: This study involves interpretation of variants in research participants for the purpose of population health screening. Participant phenotype was not available at the time of variant classification. Additional details can be found in publication PMID: 35346344, PMCID: PMC8962531

Color Diagnostics, LLC DBA Color Health
Classification: Likely benign for Cardiomyopathy. Last evaluated: 2019-01-11. Review status: criteria provided, single submitter. Criteria: ACMG Guidelines, 2015. Collection method: clinical testing. Allele origin: germline.

NM_001035.3(RYR2):c.12960A>G (p.Glu4320=)

Genes: RYR2 (ryanodine receptor 2; plus strand), LOC126806068 (BRD4-independent group 4 enhancer GRCh37_chr1:237947411-237948610; plus strand). Cytogenetic location: 1q43.
Variant type: single nucleotide variant.
Coding change: c.12960A>G on transcript NM_001035.3 (MANE Select); coding-DNA position 12960, A replaced by G.
Protein change: p.Glu4320=; no amino-acid change (glutamic acid 4320 retained).
Molecular consequence: synonymous variant.
Genome position (GRCh38, 1-based): chr1:237,784,672, A>G. VCF-style: chr1-237784672-A-G. GRCh37 (hg19) VCF-style: chr1-237947972-A-G.
Identifiers: ClinVar variation 707417 (VCV000707417.16), dbSNP rs1456795811, ClinGen allele CA424032503.
Genomic context (GRCh38, chr1:237,784,672, plus strand): 5'-CGTTTTCAGAGGCTTTTTCCGCATCATTTGCAGCCTGCTGCTTGGGGGAAGCCTCGTCGA[A>G]GGTGCTAAAAAGATCAAAGTTGCAGAACTGTTAGCCAACATGCCAGACCCCACTCAGGAT-3'
Protein context (NP_001026.2, residues 4310-4330): CSLLLGGSLV[Glu4320=]GAKKIKVAEL